The following is an entry in ClinVar:

ClinVar aggregate classification (germline): Uncertain significance (1 of 4 stars; one submission).

gnomAD v4.1: 4 of 1,604,376 alleles (0.00025%); highest among the groups gnomAD compares: East Asian, 0.0022%; no homozygotes.

Submission:

Women's Health and Genetics/Laboratory Corporation of America, LabCorp
Classification: Uncertain significance. Last evaluated: 2024-12-18. Review status: criteria provided, single submitter. Criteria: LabCorp Variant Classification Summary - May 2015. Collection method: clinical testing. Allele origin: germline.
Comment: Variant summary: RD3 c.311T>C (p.Leu104Pro) results in a non-conservative amino acid change in the encoded protein sequence. Four of five in-silico tools predict a damaging effect of the variant on protein function. The variant allele was found at a frequency of 4.4e-06 in 227490 control chromosomes. c.311T>C has been reported in the literature in individuals affected with Leber Congenital Amaurosis (e.g., Wang_2016, Wang_2015). These data indicate that the variant may be associated with disease. To our knowledge, no experimental evidence demonstrating an impact on protein function has been reported. The following publications have been ascertained in the context of this evaluation (PMID: 27422788, 26047050). No submitters have cited clinical-significance assessments for this variant to ClinVar. Based on the evidence outlined above, the variant was classified as VUS-possibly pathogenic.

Literature cited by the submitters: PubMed 26047050; PubMed 27422788.

NM_001164688.2(RD3):c.311T>C (p.Leu104Pro)

Gene: RD3 (RD3 regulator of GUCY2D; minus strand). Cytogenetic location: 1q32.3.
Variant type: single nucleotide variant.
Coding change: c.311T>C on transcript NM_001164688.2 (MANE Select); coding-DNA position 311, T replaced by C.
Protein change: p.Leu104Pro; replaces leucine 104 with proline.
Molecular consequence: missense variant.
Genome position (GRCh38, 1-based): chr1:211,479,313, A>G on the plus strand (T>C on the coding strand, the complement: RD3 is on the minus strand). VCF-style: chr1-211479313-A-G. GRCh37 (hg19) VCF-style: chr1-211652655-A-G.
Other names: c.311T>C, p.Leu104Pro (NM_183059.3); short protein forms L104P.
Identifiers: ClinVar variation 3768524 (VCV003768524.1).